The following is an entry in ClinVar:

ClinVar aggregate classification (germline): Uncertain significance (1 of 4 stars; one submission).

Conditions:
Cardiovascular phenotype. Identifiers: MedGen CN230736.

Allele frequency attached by ClinVar (database versions not stated): TOPMed below 0.00001; gnomAD 0.00001.
gnomAD v4.1: 1 of 1,612,172 alleles (0.000062%); highest among the groups gnomAD compares: Non-Finnish European, 0.000085%; no homozygotes.

Submission:

Ambry Genetics
Classification: Uncertain significance for Cardiovascular phenotype. Last evaluated: 2013-10-18. Review status: criteria provided, single submitter. Criteria: Ambry Autosomal Dominant and X-Linked criteria (10/2015). Collection method: clinical testing. Allele origin: germline. Observed: 1 variant allele.
Comment: The p.S7714P variant (also known as c.23140T>C) is located in coding exon 89 of the TTNgene. This alteration results from a T to C substitution at nucleotide position 23140. The serine at codon 7714 is replaced by proline, an amino acid with some dissimilar properties. This variant was not reported in population-based cohorts in the following databases: Database of Single Nucleotide Polymorphisms (dbSNP), the 1000 Genomes Project and the NHLBI Exome Sequencing Project (ESP). In the ESP, this variant was not observed in 6033 samples (12066 alleles) with coverage at this position.Based on protein sequence alignment, this amino acid position is not well/not conserved in available vertebrate species. In addition, this alteration is predicted to be benignby PolyPhen in silico analysis. Since supporting evidence is limited at this time, the clinical significance of this variant remains unclear.Ã¢â‚¬â€¹

NM_001267550.2(TTN):c.26872T>C (p.Ser8958Pro)

Gene: TTN (titin; minus strand). Cytogenetic location: 2q31.2.
Variant type: single nucleotide variant.
Coding change: c.26872T>C on transcript NM_001267550.2 (MANE Select); coding-DNA position 26872, T replaced by C.
Protein change: p.Ser8958Pro; replaces serine 8958 with proline.
Molecular consequence: missense variant. On other transcripts: intron variant (3).
Genome position (GRCh38, 1-based): chr2:178,713,262, A>G on the plus strand (T>C on the coding strand, the complement: TTN is on the minus strand). VCF-style: chr2-178713262-A-G. GRCh37 (hg19) VCF-style: chr2-179577989-A-G.
Other names: c.25921T>C, p.Ser8641Pro (NM_001256850.1); c.23140T>C, p.Ser7714Pro (NM_133378.4); c.13282+24820T>C (NM_003319.4); c.13858+24820T>C (NM_133437.4); c.13657+24820T>C (NM_133432.3); short protein forms S7714P, S8958P, S8641P.
Identifiers: ClinVar variation 263748 (VCV000263748.3), dbSNP rs886038913, ClinGen allele CA10587509.